The following is an entry in ClinVar:

NM_003327.4(TNFRSF4):c.173G>T (p.Arg58Leu)

Gene: TNFRSF4 (TNF receptor superfamily member 4; minus strand). Cytogenetic location: 1p36.33.
Variant type: single nucleotide variant.
Coding change: c.173G>T on transcript NM_003327.4 (MANE Select); coding-DNA position 173, G replaced by T.
Protein change: p.Arg58Leu; replaces arginine 58 with leucine.
Molecular consequence: missense variant.
Genome position (GRCh38, 1-based): chr1:1,213,758, C>A on the plus strand (G>T on the coding strand, the complement: TNFRSF4 is on the minus strand). VCF-style: chr1-1213758-C-A. GRCh37 (hg19) VCF-style: chr1-1149138-C-A.
Other names: short protein forms R58L.
Identifiers: ClinVar variation 964744 (VCV000964744.9), dbSNP rs370340188, ClinGen allele CA512636.

ClinVar aggregate classification (germline): Uncertain significance (1 of 4 stars; one submission).

Conditions:
Combined immunodeficiency due to OX40 deficiency. Also called: OX40 DEFICIENCY; Immunodeficiency 16. Identifiers: Orphanet 431149, MedGen C3810053, MONDO:0014268, OMIM 615593.

Allele frequency attached by ClinVar (database versions not stated): ExAC 0.00002; ESP Exome Variant Server 0.00008.

Submission:

Labcorp Genetics (formerly Invitae), Labcorp
Classification: Uncertain significance for Combined immunodeficiency due to OX40 deficiency. Last evaluated: 2019-11-08. Review status: criteria provided, single submitter. Criteria: Invitae Variant Classification Sherloc (09022015). Collection method: clinical testing. Allele origin: germline.
Comment: In summary, the available evidence is currently insufficient to determine the role of this variant in disease. Therefore, it has been classified as a Variant of Uncertain Significance. Algorithms developed to predict the effect of missense changes on protein structure and function (SIFT, PolyPhen-2, Align-GVGD) all suggest that this variant is likely to be tolerated, but these predictions have not been confirmed by published functional studies and their clinical significance is uncertain. This variant has not been reported in the literature in individuals with TNFRSF4-related conditions. This variant is present in population databases (rs370340188, ExAC 0.003%). This sequence change replaces arginine with leucine at codon 58 of the TNFRSF4 protein (p.Arg58Leu). The arginine residue is weakly conserved and there is a moderate physicochemical difference between arginine and leucine.